The following is an entry in ClinVar:

NM_001127898.4(CLCN5):c.1942C>T (p.His648Tyr)

Genes: CLCN5 (Cl-/H+ antiporter 5; plus strand), LOC126863258 (BRD4-independent group 4 enhancer GRCh37_chrX:49854497-49855696; plus strand). Cytogenetic location: Xp11.23.
Variant type: single nucleotide variant.
Coding change: c.1942C>T on transcript NM_001127898.4 (MANE Select); coding-DNA position 1942, C replaced by T.
Protein change: p.His648Tyr; replaces histidine 648 with tyrosine.
Molecular consequence: missense variant.
Genome position (GRCh38, 1-based): chrX:50,090,313, C>T. VCF-style: chrX-50090313-C-T. GRCh37 (hg19) VCF-style: chrX-49854970-C-T.
Other names: c.1732C>T, p.His578Tyr (NM_000084.5); c.1942C>T, p.His648Tyr (NM_001127899.4); c.1792C>T, p.His598Tyr (NM_001282163.2); c.1732C>T (NM_000084.2); short protein forms H578Y, H648Y, H598Y.
Identifiers: ClinVar variation 2138099 (VCV002138099.7), dbSNP rs782515769, ClinGen allele CA10413939.

ClinVar aggregate classification (germline): Uncertain significance. Review status: criteria provided, multiple submitters, no conflicts (2 of 4 stars). 3 submissions from 3 submitters: Uncertain significance (3). Last evaluated 2026-01-07.

Conditions:
Inborn genetic diseases. Identifiers: MedGen C0950123, MeSH D030342.
Proteinuria, low molecular weight, with hypercalciuria and nephrocalcinosis. Identifiers: Orphanet 1652, Orphanet 93622, MedGen C1839874, MONDO:0010644, OMIM 308990.
X-linked recessive nephrolithiasis with renal failure (XRN). Also called: NEPHROLITHIASIS 1; NEPHROLITHIASIS, X-LINKED RECESSIVE, TYPE 1; UROLITHIASIS, X-LINKED RECESSIVE, TYPE 1. Identifiers: Orphanet 1652, Orphanet 93622, MedGen C0403720, MONDO:0010687, OMIM 310468.
Dent disease type 1 (DENT1). Also called: NEPHROLITHIASIS 2; NEPHROLITHIASIS, HYPERCALCIURIC, X-LINKED. Identifiers: Orphanet 1652, Orphanet 93622, MedGen C1848336, MONDO:0010225, OMIM 300009.
Hypophosphatemic rickets, X-linked recessive (XLHRR). Identifiers: Orphanet 1652, Orphanet 93622, MedGen C1845168, MONDO:0010358, OMIM 300554.

Allele frequency attached by ClinVar (database versions not stated): TOPMed 0.00002; ExAC 0.00003; gnomAD exomes 0.00003; gnomAD 0.00006.
gnomAD v4.1: 38 of 1,209,312 alleles (0.0031%); highest among the groups gnomAD compares: Admixed American, 0.0087%; no homozygotes.

Submissions (3):

Labcorp Genetics (formerly Invitae), Labcorp
Classification: Uncertain significance. Last evaluated: 2026-01-07. Review status: criteria provided, single submitter. Criteria: Invitae Variant Classification Sherloc (09022015). Collection method: clinical testing. Allele origin: germline.
Comment: This sequence change replaces histidine, which is basic and polar, with tyrosine, which is neutral and polar, at codon 578 of the CLCN5 protein (p.His578Tyr). This variant is present in population databases (rs782515769, gnomAD 0.006%). This variant has not been reported in the literature in individuals affected with CLCN5-related conditions. ClinVar contains an entry for this variant (Variation ID: 2138099). Invitae Evidence Modeling of protein sequence and biophysical properties (such as structural, functional, and spatial information, amino acid conservation, physicochemical variation, residue mobility, and thermodynamic stability) indicates that this missense variant is not expected to disrupt CLCN5 protein function with a negative predictive value of 80%. In summary, the available evidence is currently insufficient to determine the role of this variant in disease. Therefore, it has been classified as a Variant of Uncertain Significance.

Ambry Genetics
Classification: Uncertain significance for Inborn genetic diseases. Last evaluated: 2025-04-12. Review status: criteria provided, single submitter. Criteria: Ambry Variant Classification Scheme 2023. Collection method: clinical testing. Allele origin: germline.

Fulgent Genetics
Classification: Uncertain significance for Dent disease type 1; Hypophosphatemic rickets, X-linked recessive; Proteinuria, low molecular weight, with hypercalciuria and nephrocalcinosis; X-linked recessive nephrolithiasis with renal failure. Last evaluated: 2024-05-18. Review status: criteria provided, single submitter. Criteria: ACMG Guidelines, 2015. Collection method: clinical testing. Allele origin: germline.